The following is an entry in ClinVar:

NM_198578.4(LRRK2):c.1454C>A (p.Pro485His)

Gene: LRRK2 (leucine rich repeat kinase 2; plus strand). Cytogenetic location: 12q12.
Variant type: single nucleotide variant.
Coding change: c.1454C>A on transcript NM_198578.4 (MANE Select); coding-DNA position 1454, C replaced by A.
Protein change: p.Pro485His; replaces proline 485 with histidine.
Molecular consequence: missense variant.
Genome position (GRCh38, 1-based): chr12:40,259,515, C>A. VCF-style: chr12-40259515-C-A. GRCh37 (hg19) VCF-style: chr12-40653317-C-A.
Other names: short protein forms P485H.
Identifiers: ClinVar variation 2561241 (VCV002561241.2), dbSNP rs1453313503, ClinGen allele CA384411340.

ClinVar aggregate classification (germline): Uncertain significance (1 of 4 stars; one submission).

Conditions:
Inborn genetic diseases. Identifiers: MedGen C0950123, MeSH D030342.

Allele frequency attached by ClinVar (database versions not stated): gnomAD exomes below 0.00001.
gnomAD v4.1: 1 of 1,613,218 alleles (0.000062%); highest among the groups gnomAD compares: Non-Finnish European, 0.000085%; no homozygotes.

Submission:

Ambry Genetics
Classification: Uncertain significance for Inborn genetic diseases. Last evaluated: 2023-04-03. Review status: criteria provided, single submitter. Criteria: Ambry Variant Classification Scheme 2023. Collection method: clinical testing. Allele origin: germline.
Comment: The p.P485H variant (also known as c.1454C>A), located in coding exon 13 of the LRRK2 gene, results from a C to A substitution at nucleotide position 1454. The proline at codon 485 is replaced by histidine, an amino acid with similar properties. This amino acid position is conserved. In addition, this alteration is predicted to be tolerated by in silico analysis. Since supporting evidence is limited at this time, the clinical significance of this alteration remains unclear.